The following is an entry in ClinVar:

NM_025114.4(CEP290):c.3948C>G (p.Asn1316Lys)

Gene: CEP290 (centrosomal protein 290; minus strand). Cytogenetic location: 12q21.32.
Variant type: single nucleotide variant.
Coding change: c.3948C>G on transcript NM_025114.4 (MANE Select); coding-DNA position 3948, C replaced by G.
Protein change: p.Asn1316Lys; replaces asparagine 1316 with lysine.
Molecular consequence: missense variant.
Genome position (GRCh38, 1-based): chr12:88,089,113, G>C on the plus strand (C>G on the coding strand, the complement: CEP290 is on the minus strand). VCF-style: chr12-88089113-G-C. GRCh37 (hg19) VCF-style: chr12-88482890-G-C.
Other names: c.3948C>G (NM_025114.3); short protein forms N1316K.
Identifiers: ClinVar variation 1399928 (VCV001399928.7), dbSNP rs1361449401, ClinGen allele CA386000343.

ClinVar aggregate classification (germline): Uncertain significance. Review status: criteria provided, multiple submitters, no conflicts (2 of 4 stars). 3 submissions from 3 submitters: Uncertain significance (2). 1 of the submissions does not count toward it. Last evaluated 2024-02-05.

Conditions:
CEP290-related disorder. Also called: CEP290-related disorders; CEP290-related condition. Identifiers: MedGen CN239314.
Joubert syndrome. Also called: CEREBELLOPARENCHYMAL DISORDER IV; JOUBERT-BOLTSHAUSER SYNDROME; Familial aplasia of the vermis. Identifiers: Orphanet 475, MedGen C5979921, MONDO:0018772.
Nephronophthisis. Also called: Juvenile Nephronophthisis. Identifiers: Orphanet 655, MedGen C0687120, MONDO:0019005, HP:0000090.
Meckel-Gruber syndrome. Also called: DYSENCEPHALIA SPLANCHNOCYSTICA; GRUBER SYNDROME; Dysencephalia splachnocystica. Identifiers: Orphanet 564, MedGen C0265215, MONDO:0018921.
Senior-Loken syndrome 6 (SLSN6). Identifiers: Orphanet 3156, MedGen C1857779, MONDO:0012433, OMIM 610189.
Joubert syndrome 5 (JBTS5). Identifiers: Orphanet 2318, MedGen C1857780, MONDO:0012432, OMIM 610188.
Bardet-Biedl syndrome 14 (BBS14). Identifiers: Orphanet 110, MedGen C2673874, MONDO:0014442, OMIM 615991.
Leber congenital amaurosis 10 (LCA10). Identifiers: Orphanet 65, MedGen C1857821, MONDO:0012723, OMIM 611755.
Meckel syndrome, type 4 (MKS4). Also called: MECKEL-GRUBER SYNDROME, TYPE 4. Identifiers: Orphanet 564, MedGen C1970161, MONDO:0012626, OMIM 611134.

Allele frequency attached by ClinVar (database versions not stated): gnomAD exomes below 0.00001; TOPMed 0.00003.
gnomAD v4.1: 7 of 1,573,206 alleles (0.00044%); highest among the groups gnomAD compares: African/African-American, 0.0069%; no homozygotes.

Submissions (3):

Fulgent Genetics
Classification: Uncertain significance for Joubert syndrome 5; Senior-Loken syndrome 6; Meckel syndrome, type 4; Leber congenital amaurosis 10; Bardet-Biedl syndrome 14. Last evaluated: 2024-02-05. Review status: criteria provided, single submitter. Criteria: ACMG Guidelines, 2015. Collection method: clinical testing. Allele origin: germline.

Labcorp Genetics (formerly Invitae), Labcorp
Classification: Uncertain significance for Joubert syndrome; Meckel-Gruber syndrome; Nephronophthisis. Last evaluated: 2022-03-10. Review status: criteria provided, single submitter. Criteria: Invitae Variant Classification Sherloc (09022015). Collection method: clinical testing. Allele origin: germline.
Comment: This sequence change replaces asparagine, which is neutral and polar, with lysine, which is basic and polar, at codon 1316 of the CEP290 protein (p.Asn1316Lys). This variant is present in population databases (no rsID available, gnomAD 0.01%). This variant has not been reported in the literature in individuals affected with CEP290-related conditions. Algorithms developed to predict the effect of missense changes on protein structure and function are either unavailable or do not agree on the potential impact of this missense change (SIFT: "Tolerated"; PolyPhen-2: "Possibly Damaging"; Align-GVGD: "Class C0"). In summary, the available evidence is currently insufficient to determine the role of this variant in disease. Therefore, it has been classified as a Variant of Uncertain Significance.

PreventionGenetics, part of Exact Sciences
Classification: Uncertain significance for CEP290-related condition. Last evaluated: 2024-08-07. Review status: no assertion criteria provided. Collection method: clinical testing. Allele origin: germline. Not counted in ClinVar's aggregate classification.
Comment: The CEP290 c.3948C>G variant is predicted to result in the amino acid substitution p.Asn1316Lys. To our knowledge, this variant has not been reported in the literature. This variant is reported in 0.013% of alleles in individuals of African descent in gnomAD. At this time, the clinical significance of this variant is uncertain due to the absence of conclusive functional and genetic evidence.